The following is an entry in ClinVar:

ClinVar aggregate classification (germline): Conflicting classifications of pathogenicity. Review status: criteria provided, conflicting classifications (1 of 4 stars). 4 submissions from 4 submitters: Uncertain significance (2); Likely benign (1). 1 of the submissions does not count toward it. Last evaluated 2022-10-04.

Conditions:
Autosomal recessive limb-girdle muscular dystrophy type 2K. Also called: MUSCULAR DYSTROPHY, LIMB-GIRDLE, TYPE 2K; MUSCULAR DYSTROPHY-DYSTROGLYCANOPATHY (LIMB-GIRDLE), TYPE C, 1. Identifiers: Orphanet 86812, MedGen C1836373, MONDO:0012248, OMIM 609308.
Walker-Warburg congenital muscular dystrophy. Also called: Muscular dystrophy-dystroglycanopathy, type A; Walker-Warburg syndrome. Identifiers: Orphanet 899, MedGen C0265221, MONDO:0000171.
Muscular dystrophy-dystroglycanopathy (congenital with impaired intellectual development), type B, 1. Also called: Muscular dystrophy-dystroglycanopathy (congenital with intellectual disability), type B1; MUSCULAR DYSTROPHY, CONGENITAL, POMT1-RELATED. Identifiers: MedGen C5436962, MONDO:0013159, OMIM 613155.
POMT1-related disorder. Also called: POMT1-related disorders; POMT1-related condition.

Allele frequency attached by ClinVar (database versions not stated): gnomAD exomes 0.00004 and 0.00008; 1000 Genomes Project 0.00020; ESP Exome Variant Server 0.00031; gnomAD 0.00031 and 0.00030; ExAC 0.00008; TOPMed 0.00036; 1000 Genomes Project 30x 0.00031.
gnomAD v4.1: 109 of 1,613,780 alleles (0.0068%); highest among the groups gnomAD compares: African/African-American, 0.12%; no homozygotes.

Submissions (4):

Labcorp Genetics (formerly Invitae), Labcorp
Classification: Uncertain significance for Muscular dystrophy-dystroglycanopathy (congenital with impaired intellectual development), type B, 1; Walker-Warburg congenital muscular dystrophy; Autosomal recessive limb-girdle muscular dystrophy type 2K. Last evaluated: 2022-10-04. Review status: criteria provided, single submitter. Criteria: Invitae Variant Classification Sherloc (09022015). Collection method: clinical testing. Allele origin: germline.
Comment: This sequence change falls in intron 9 of the POMT1 gene. It does not directly change the encoded amino acid sequence of the POMT1 protein. It affects a nucleotide within the consensus splice site. This variant is present in population databases (rs200692465, gnomAD 0.1%). This variant has not been reported in the literature in individuals affected with POMT1-related conditions. ClinVar contains an entry for this variant (Variation ID: 385971). Variants that disrupt the consensus splice site are a relatively common cause of aberrant splicing (PMID: 17576681, 9536098). Algorithms developed to predict the effect of sequence changes on RNA splicing suggest that this variant is not likely to affect RNA splicing. In summary, the available evidence is currently insufficient to determine the role of this variant in disease. Therefore, it has been classified as a Variant of Uncertain Significance.

GeneDx
Classification: Likely benign. Last evaluated: 2017-12-07. Review status: criteria provided, single submitter. Criteria: GeneDx Variant Classification (06012015). Collection method: clinical testing. Allele origin: germline. Affected: yes.
Comment: This variant is considered likely benign or benign based on one or more of the following criteria: it is a conservative change, it occurs at a poorly conserved position in the protein, it is predicted to be benign by multiple in silico algorithms, and/or has population frequency not consistent with disease.

Eurofins Ntd Llc (ga)
Classification: Uncertain significance. Last evaluated: 2017-11-10. Review status: criteria provided, single submitter. Criteria: EGL Classification Definitions 2015. Collection method: clinical testing. Allele origin: germline. Observed: 2 variant alleles, 2 heterozygotes.

PreventionGenetics, part of Exact Sciences
Classification: Likely benign for POMT1-related condition. Last evaluated: 2019-03-21. Review status: no assertion criteria provided. Collection method: clinical testing. Allele origin: germline. Not counted in ClinVar's aggregate classification.
Comment: This variant is classified as likely benign based on ACMG/AMP sequence variant interpretation guidelines (Richards et al. 2015 PMID: 25741868, with internal and published modifications).

Literature cited by the submitters: PubMed 17576681 (cited by Labcorp Genetics (formerly Invitae), Labcorp); PubMed 9536098 (cited by Labcorp Genetics (formerly Invitae), Labcorp).

NM_001077365.2(POMT1):c.855+6T>C

Gene: POMT1 (protein O-mannosyltransferase 1; plus strand). Cytogenetic location: 9q34.13.
Variant type: single nucleotide variant.
Coding change: c.855+6T>C on transcript NM_001077365.2 (MANE Select); 6 bases into the intron after coding-DNA position 855, T replaced by C.
Molecular consequence: intron variant.
Genome position (GRCh38, 1-based): chr9:131,510,421, T>C. VCF-style: chr9-131510421-T-C. GRCh37 (hg19) VCF-style: chr9-134385808-T-C.
Other names: c.759+6T>C (NM_001353198.2, NM_001353197.2); c.921+6T>C (NM_001353193.2, NM_007171.4); c.855+6T>C (NM_001136113.2, NM_001374690.1); c.693+6T>C (NM_001353194.2, NM_001077366.2, NM_001374693.1); c.504+6T>C (NM_001374691.1, NM_001353195.2, NM_001374692.1 and 1 more transcripts); c.765+6T>C (NM_001353196.2); c.465+6T>C (NM_001374695.1); c.838+6T>C (NM_001374689.1); and 2 more.
Identifiers: ClinVar variation 385971 (VCV000385971.10), dbSNP rs200692465, ClinGen allele CA5293454.